The following is an entry in ClinVar:

ClinVar aggregate classification (germline): Benign/Likely benign. Review status: criteria provided, multiple submitters, no conflicts (2 of 4 stars). 8 submissions from 8 submitters: Benign (1); Likely benign (7). Last evaluated 2025-12-21.

Conditions:
Hereditary cancer-predisposing syndrome. Also called: Tumor predisposition; Hereditary Cancer Syndrome; Hereditary neoplastic syndrome; Neoplastic Syndromes, Hereditary. Identifiers: Orphanet 140162, MedGen C0027672, MeSH D009386, MONDO:0015356.
Peutz-Jeghers syndrome (PJS). Also called: POLYPOSIS, HAMARTOMATOUS INTESTINAL; POLYPS-AND-SPOTS SYNDROME; Peutz-Jeghers polyposis; Periorificial lentiginosis syndrome. Identifiers: Orphanet 2869, MedGen C0031269, MeSH D010580, MONDO:0008280, OMIM 175200.

gnomAD v4.1: 23 of 1,606,262 alleles (0.0014%); highest among the groups gnomAD compares: East Asian, 0.022%; no homozygotes.

Submissions (8):

Labcorp Genetics (formerly Invitae), Labcorp
Classification: Likely benign for Peutz-Jeghers syndrome. Last evaluated: 2025-12-21. Review status: criteria provided, single submitter. Criteria: Invitae Variant Classification Sherloc (09022015). Collection method: clinical testing. Allele origin: germline.

Myriad Genetics, Inc.
Classification: Benign for Peutz-Jeghers syndrome. Last evaluated: 2025-03-28. Review status: criteria provided, single submitter. Criteria: Myriad Autosomal Dominant, Autosomal Recessive and X-Linked Classification Criteria (2023). Collection method: clinical testing. Allele origin: unknown.
Comment: This variant is considered benign. This variant is a silent/synonymous amino acid change and it is not expected to impact splicing.

All of Us Research Program, National Institutes of Health
Classification: Likely benign for Peutz-Jeghers syndrome. Last evaluated: 2023-05-08. Review status: criteria provided, single submitter. Criteria: ACMG Guidelines, 2015. Collection method: clinical testing. Allele origin: germline. Inheritance: Autosomal dominant inheritance. Observed: 2 variant alleles, 2 heterozygotes.
Comment: This study involves interpretation of variants in research participants for the purpose of population health screening. Participant phenotype was not available at the time of variant classification. Additional details can be found in publication PMID: 35346344, PMCID: PMC8962531

Quest Diagnostics Nichols Institute San Juan Capistrano
Classification: Likely benign. Last evaluated: 2021-04-16. Review status: criteria provided, single submitter. Criteria: Quest Diagnostics criteria. Collection method: clinical testing. Allele origin: unknown.

Women's Health and Genetics/Laboratory Corporation of America, LabCorp
Classification: Likely benign. Last evaluated: 2020-07-22. Review status: criteria provided, single submitter. Criteria: LabCorp Variant Classification Summary - May 2015. Collection method: clinical testing. Allele origin: germline.

Color Diagnostics, LLC DBA Color Health
Classification: Likely benign for Hereditary cancer-predisposing syndrome. Last evaluated: 2017-12-05. Review status: criteria provided, single submitter. Criteria: ACMG Guidelines, 2015. Collection method: clinical testing. Allele origin: germline.

GeneDx
Classification: Likely benign. Last evaluated: 2017-09-11. Review status: criteria provided, single submitter. Criteria: GeneDx Variant Classification (06012015). Collection method: clinical testing. Allele origin: germline. Affected: yes.
Comment: This variant is considered likely benign or benign based on one or more of the following criteria: it is a conservative change, it occurs at a poorly conserved position in the protein, it is predicted to be benign by multiple in silico algorithms, and/or has population frequency not consistent with disease.

Ambry Genetics
Classification: Likely benign for Hereditary cancer-predisposing syndrome. Last evaluated: 2014-11-18. Review status: criteria provided, single submitter. Criteria: Ambry Variant Classification Scheme 2023. Collection method: clinical testing. Allele origin: germline.

NM_000455.5(STK11):c.1191G>A (p.Ala397=)

Gene: STK11 (serine/threonine kinase 11; plus strand). Cytogenetic location: 19p13.3.
Variant type: single nucleotide variant.
Coding change: c.1191G>A on transcript NM_000455.5 (MANE Select); coding-DNA position 1191, G replaced by A.
Protein change: p.Ala397=; no amino-acid change (alanine 397 retained).
Molecular consequence: synonymous variant.
Genome position (GRCh38, 1-based): chr19:1,226,536, G>A. VCF-style: chr19-1226536-G-A. GRCh37 (hg19) VCF-style: chr19-1226535-G-A.
Identifiers: ClinVar variation 184895 (VCV000184895.22), dbSNP rs774759899, ClinGen allele CA022438.